The following is an entry in ClinVar:

ClinVar aggregate classification (germline): Uncertain significance (1 of 4 stars; one submission).

Conditions:
Acute myeloid leukemia (AML). Also called: Acute myeloid leukemia, adult; AML adult; Acute non-lymphocytic leukemia; Acute granulocytic leukemia; Leukemia, acute myeloid, somatic; Leukemia, acute myelogenous, somatic. Identifiers: Orphanet 519, MedGen C0023467, MeSH D015470, MONDO:0018874, OMIM 601626, HP:0004808. Disease mechanism: Constitutively activated FLT3.

Submission:

Labcorp Genetics (formerly Invitae), Labcorp
Classification: Uncertain significance for Acute myeloid leukemia. Last evaluated: 2018-11-29. Review status: criteria provided, single submitter. Criteria: Invitae Variant Classification Sherloc (09022015). Collection method: clinical testing. Allele origin: germline.
Comment: Algorithms developed to predict the effect of missense changes on protein structure and function are either unavailable or do not agree on the potential impact of this missense change (SIFT: "Tolerated"; PolyPhen-2: "Possibly Damaging"; Align-GVGD: "Class C0"). In summary, the available evidence is currently insufficient to determine the role of this variant in disease. Therefore, it has been classified as a Variant of Uncertain Significance. This variant has not been reported in the literature in individuals with CEBPA-related conditions. This sequence change replaces lysine with threonine at codon 90 of the CEBPA protein (p.Lys90Thr). The lysine residue is moderately conserved and there is a moderate physicochemical difference between lysine and threonine. The frequency data for this variant in the population databases is considered unreliable, as metrics indicate insufficient coverage at this position in the ExAC database.

NM_004364.5(CEBPA):c.269A>C (p.Lys90Thr)

Gene: CEBPA (CCAAT enhancer binding protein alpha; minus strand). Cytogenetic location: 19q13.11.
Variant type: single nucleotide variant.
Coding change: c.269A>C on transcript NM_004364.5 (MANE Select); coding-DNA position 269, A replaced by C.
Protein change: p.Lys90Thr; replaces lysine 90 with threonine.
Molecular consequence: missense variant. On other transcripts: 5 prime UTR variant (1).
Genome position (GRCh38, 1-based): chr19:33,302,146, T>G on the plus strand (A>C on the coding strand, the complement: CEBPA is on the minus strand). VCF-style: chr19-33302146-T-G. GRCh37 (hg19) VCF-style: chr19-33793052-T-G.
Other names: c.-89A>C (NM_001285829.2); c.374A>C, p.Lys125Thr (NM_001287424.2); c.227A>C, p.Lys76Thr (NM_001287435.2); short protein forms K76T, K125T, K90T.
Identifiers: ClinVar variation 642128 (VCV000642128.9), dbSNP rs1600023742, ClinGen allele CA405275305.